The following is an entry in ClinVar:

ClinVar aggregate classification (germline): Uncertain significance (1 of 4 stars; one submission).

Conditions:
TBC1D1-related disorder. Also called: TBC1D1-related condition.

Allele frequency attached by ClinVar (database versions not stated): ESP Exome Variant Server 0.00023; gnomAD 0.00035; TOPMed 0.00050.
gnomAD v4.1: 146 of 1,614,052 alleles (0.009%); highest among the groups gnomAD compares: African/African-American, 0.12%; no homozygotes.

Submission:

PreventionGenetics, part of Exact Sciences
Classification: Uncertain significance for TBC1D1-related condition. Last evaluated: 2023-05-24. Review status: criteria provided, single submitter. Criteria: ACMG Guidelines, 2015. Collection method: clinical testing. Allele origin: germline.
Comment: The TBC1D1 c.2947G>A variant is predicted to result in the amino acid substitution p.Val983Ile. To our knowledge, this variant has not been reported in the literature. This variant is reported in 0.088% of alleles in individuals of African descent in gnomAD. Although we suspect that this variant may be benign, at this time, the clinical significance of this variant is uncertain due to the absence of conclusive functional and genetic evidence.

NM_001396959.1(TBC1D1):c.3229G>A (p.Val1077Ile)

Gene: TBC1D1 (TBC1 domain family member 1; plus strand). Cytogenetic location: 4p14.
Variant type: single nucleotide variant.
Coding change: c.3229G>A on transcript NM_001396959.1 (MANE Select); coding-DNA position 3229, G replaced by A.
Protein change: p.Val1077Ile; replaces valine 1077 with isoleucine.
Molecular consequence: missense variant. On other transcripts: intron variant (1).
Genome position (GRCh38, 1-based): chr4:38,118,177, G>A. VCF-style: chr4-38118177-G-A. GRCh37 (hg19) VCF-style: chr4-38119798-G-A.
Other names: c.238G>A, p.Val80Ile (NM_001253913.2, NM_001253914.2); c.2947G>A, p.Val983Ile (NM_015173.4); c.3084+2223G>A (NM_001253912.2); short protein forms V1077I, V80I, V983I.
Identifiers: ClinVar variation 2635919 (VCV002635919.1), dbSNP rs150619808, ClinGen allele CA2888231.